The following is an entry in ClinVar:

ClinVar aggregate classification (germline): Uncertain significance (1 of 4 stars; one submission).

Conditions:
Familial adenomatous polyposis 1 (FAP1). Also called: FAMILIAL ADENOMATOUS POLYPOSIS 1, ATTENUATED; POLYPOSIS, ADENOMATOUS INTESTINAL. Identifiers: MedGen C2713442, MONDO:0021056, OMIM 175100. Disease mechanism: loss of function.

Submission:

Labcorp Genetics (formerly Invitae), Labcorp
Classification: Uncertain significance for Familial adenomatous polyposis 1. Last evaluated: 2024-08-11. Review status: criteria provided, single submitter. Criteria: Invitae Variant Classification Sherloc (09022015). Collection method: clinical testing. Allele origin: germline.
Comment: This sequence change replaces alanine, which is neutral and non-polar, with glycine, which is neutral and non-polar, at codon 501 of the APC protein (p.Ala501Gly). This variant is not present in population databases (gnomAD no frequency). This variant has not been reported in the literature in individuals affected with APC-related conditions. Invitae Evidence Modeling of protein sequence and biophysical properties (such as structural, functional, and spatial information, amino acid conservation, physicochemical variation, residue mobility, and thermodynamic stability) indicates that this missense variant is not expected to disrupt APC protein function with a negative predictive value of 95%. In summary, the available evidence is currently insufficient to determine the role of this variant in disease. Therefore, it has been classified as a Variant of Uncertain Significance.

NM_000038.6(APC):c.1502C>G (p.Ala501Gly)

Gene: APC (APC regulator of Wnt signaling pathway; plus strand). Cytogenetic location: 5q22.2.
Variant type: single nucleotide variant.
Coding change: c.1502C>G on transcript NM_000038.6 (MANE Select); coding-DNA position 1502, C replaced by G.
Protein change: p.Ala501Gly; replaces alanine 501 with glycine.
Molecular consequence: missense variant.
Genome position (GRCh38, 1-based): chr5:112,827,201, C>G. VCF-style: chr5-112827201-C-G. GRCh37 (hg19) VCF-style: chr5-112162898-C-G.
Other names: c.1502C>G, p.Ala501Gly (NM_001127510.3, NM_001354895.2, NM_001407450.1); c.1448C>G, p.Ala483Gly (NM_001127511.3); c.1556C>G, p.Ala519Gly (NM_001354896.2, NM_001407447.1, NM_001407448.1 and 1 more transcripts); c.1532C>G, p.Ala511Gly (NM_001354897.2); c.1427C>G, p.Ala476Gly (NM_001354898.2); c.1418C>G, p.Ala473Gly (NM_001354899.2); c.1379C>G, p.Ala460Gly (NM_001354900.2); c.1325C>G, p.Ala442Gly (NM_001354901.2, NM_001407453.1); and 11 more; short protein forms A491G, A494G, A218G, A410G, A442G, A483G, A375G, A400G.
Identifiers: ClinVar variation 3635411 (VCV003635411.2).
Genomic context (GRCh38, chr5:112,827,201, plus strand): 5'-TGGACTGTGAAATGTATGGGCTTACTAATGACCACTACAGTATTACACTAAGACGATATG[C>G]TGGAATGGCTTTGACAAACTTGACTTTTGGAGATGTAGCCAACAAGGTATGTTTTTATAA-3'
Protein context (NP_000029.2, residues 491-511): DHYSITLRRY[Ala501Gly]GMALTNLTFG